The following is an entry in ClinVar:

ClinVar aggregate classification (germline): Uncertain significance (1 of 4 stars; one submission).

Submission:

Labcorp Genetics (formerly Invitae), Labcorp
Classification: Uncertain significance. Last evaluated: 2022-08-23. Review status: criteria provided, single submitter. Criteria: Invitae Variant Classification Sherloc (09022015). Collection method: clinical testing. Allele origin: germline.
Comment: This variant has not been reported in the literature in individuals affected with HK1-related conditions. In summary, the available evidence is currently insufficient to determine the role of this variant in disease. Therefore, it has been classified as a Variant of Uncertain Significance. Algorithms developed to predict the effect of missense changes on protein structure and function (SIFT, PolyPhen-2, Align-GVGD) all suggest that this variant is likely to be tolerated. ClinVar contains an entry for this variant (Variation ID: 1465967). This variant is not present in population databases (gnomAD no frequency). This sequence change replaces valine, which is neutral and non-polar, with leucine, which is neutral and non-polar, at codon 248 of the HK1 protein (p.Val248Leu).

NM_000188.3(HK1):c.742G>T (p.Val248Leu)

Gene: HK1 (hexokinase 1; plus strand). Cytogenetic location: 10q22.1.
Variant type: single nucleotide variant.
Coding change: c.742G>T on transcript NM_000188.3 (MANE Select); coding-DNA position 742, G replaced by T.
Protein change: p.Val248Leu; replaces valine 248 with leucine.
Molecular consequence: missense variant.
Genome position (GRCh38, 1-based): chr10:69,369,491, G>T. VCF-style: chr10-69369491-G-T. GRCh37 (hg19) VCF-style: chr10-71129247-G-T.
Other names: c.754G>T, p.Val252Leu (NM_001322364.2, NM_001358263.1, NM_033497.3 and 1 more transcripts); c.847G>T, p.Val283Leu (NM_001322365.2); c.658G>T, p.Val220Leu (NM_001322366.1); c.646G>T, p.Val216Leu (NM_001322367.1); c.739G>T, p.Val247Leu (NM_033496.3); c.706G>T, p.Val236Leu (NM_033500.2); short protein forms V248L, V252L, V283L, V236L, V247L, V216L, V220L.
Identifiers: ClinVar variation 1465967 (VCV001465967.6), dbSNP rs2132816536, ClinGen allele CA376914194.